The following is an entry in ClinVar:

NM_001429.4(EP300):c.6106dup (p.Val2036fs)

Gene: EP300 (EP300 lysine acetyltransferase; plus strand). Cytogenetic location: 22q13.2.
Variant type: Duplication.
Coding change: c.6106dup on transcript NM_001429.4 (MANE Select); coding-DNA position 6106, one base duplicated (G; older notation c.6106dupG).
Protein change: p.Val2036fs; shifts the reading frame from valine 2036.
Molecular consequence: frameshift variant.
Genome position (GRCh38, 1-based): chr22:41,177,817, G duplicated; the last of 2 consecutive G bases (chr22:41,177,816-41,177,817); duplicating either gives the same sequence. VCF-style (leftmost placement, unchanged base first): chr22-41177815-A-AG. GRCh37 (hg19) VCF-style: chr22-41573819-A-AG.
Other names: c.6028dup, p.Val2010fs (NM_001362843.2); short protein forms V2010fs, V2036fs.
Identifiers: ClinVar variation 3343882 (VCV003343882.3).

ClinVar aggregate classification (germline): Pathogenic/Likely pathogenic. Review status: criteria provided, multiple submitters, no conflicts (2 of 4 stars). 3 submissions from 3 submitters: Pathogenic (1); Likely pathogenic (2). Last evaluated 2023-12-09.

Conditions:
EP300-related disorder. Also called: EP300-related condition; EP300-related disorders.
Rubinstein-Taybi syndrome due to EP300 haploinsufficiency. Also called: EP300-Related Rubinstein-Taybi Syndrome; RUBINSTEIN-TAYBI SYNDROME 2. Identifiers: Orphanet 353284, Orphanet 783, MedGen C3150941, MONDO:0013364, OMIM 613684.

Submissions (3):

GeneDx
Classification: Pathogenic. Last evaluated: 2023-12-09. Review status: criteria provided, single submitter. Criteria: GeneDx Variant Classification Process June 2021. Collection method: clinical testing. Allele origin: germline. Affected: yes.
Comment: Frameshift variant predicted to result in abnormal protein length as the last 379 amino acids are replaced with 36 different amino acids, and other similar variants have been reported in HGMD; Has not been previously published as pathogenic or benign to our knowledge; Not observed at significant frequency in large population cohorts (gnomAD); This variant is associated with the following publications: (PMID: 24077912)

New York Genome Center
Classification: Likely pathogenic for Rubinstein-Taybi syndrome due to EP300 haploinsufficiency. Last evaluated: 2023-10-10. Review status: criteria provided, single submitter. Criteria: NYGC Assertion Criteria 2020. Collection method: clinical testing. Allele origin: de novo. Affected: yes. Observed: 1 variant allele, 1 heterozygote.
Comment: The c.6106dup variant identified in the EP300 gene has not previously been reported in the literature or public variant repositories (ClinVar and LOVD) and is absent from population databases (gnomAD v2.1.1 and v3.1.2, TOPMed Freeze 8, All of Us), suggesting it is not a common benign variant in the populations represented in those databases. The c.6106dup variant in EP300 is located in exon 31 of this 31-exon gene, predicted to cause frameshift in the open reading frame and incorporation of premature termination codon ((p.(Val2036GlyfsTer37)), which would result in loss of the last 341 amino acid (>10% of the encoded protein) should it not be subjected to nonsense mediated decay. Similar variants in the last exon of EP300 have been reported in the literature [PMID: 17299436, 33043588] andClinVar [ClinVar ID: 6885 and 210941, respectively] in individuals with EP300-related Rubinstein-Taybi syndrome 2. Based on available evidence, this c.6106dup p.(Val2036GlyfsTer37) variant identified in EP300 is classified as Likely Pathogenic for Rubinstein-Taybi syndrome 2.

Blueprint Genetics
Classification: Likely pathogenic for EP300-related disorders. Last evaluated: 2022-10-27. Review status: criteria provided, single submitter. Criteria: ACMG Guidelines, 2015. Collection method: clinical testing. Allele origin: germline. Affected: yes. Observed: 1 variant allele.